The following is an entry in ClinVar:

NM_015072.5(TTLL5):c.1993C>T (p.Leu665Phe)

Gene: TTLL5 (tubulin tyrosine ligase like 5; plus strand). Cytogenetic location: 14q24.3.
Variant type: single nucleotide variant.
Coding change: c.1993C>T on transcript NM_015072.5 (MANE Select); coding-DNA position 1993, C replaced by T.
Protein change: p.Leu665Phe; replaces leucine 665 with phenylalanine.
Molecular consequence: missense variant.
Genome position (GRCh38, 1-based): chr14:75,766,346, C>T. VCF-style: chr14-75766346-C-T. GRCh37 (hg19) VCF-style: chr14-76232689-C-T.
Other names: c.1993C>T (NM_015072.4); short protein forms L665F.
Identifiers: ClinVar variation 1013788 (VCV001013788.8), dbSNP rs532337280, ClinGen allele CA7279564.

ClinVar aggregate classification (germline): Uncertain significance. Review status: criteria provided, multiple submitters, no conflicts (2 of 4 stars). 2 submissions from 2 submitters: Uncertain significance (2). Last evaluated 2024-10-24.

Conditions:
Inborn genetic diseases. Identifiers: MedGen C0950123, MeSH D030342.

Allele frequency attached by ClinVar (database versions not stated): gnomAD 0.00001 and 0.00003; gnomAD exomes 0.00001 and 0.00003; TOPMed 0.00002; ExAC 0.00003; 1000 Genomes Project 0.00040; 1000 Genomes Project 30x 0.00047.
gnomAD v4.1: 27 of 1,611,322 alleles (0.0017%); highest among the groups gnomAD compares: South Asian, 0.017%; 1 homozygote.

Submissions (2):

Ambry Genetics
Classification: Uncertain significance for Inborn genetic diseases. Last evaluated: 2024-10-24. Review status: criteria provided, single submitter. Criteria: Ambry Variant Classification Scheme 2023. Collection method: clinical testing. Allele origin: germline.

Labcorp Genetics (formerly Invitae), Labcorp
Classification: Uncertain significance. Last evaluated: 2022-07-19. Review status: criteria provided, single submitter. Criteria: Invitae Variant Classification Sherloc (09022015). Collection method: clinical testing. Allele origin: germline.
Comment: This sequence change replaces leucine, which is neutral and non-polar, with phenylalanine, which is neutral and non-polar, at codon 665 of the TTLL5 protein (p.Leu665Phe). This variant is present in population databases (rs532337280, gnomAD 0.02%). This variant has not been reported in the literature in individuals affected with TTLL5-related conditions. ClinVar contains an entry for this variant (Variation ID: 1013788). Algorithms developed to predict the effect of missense changes on protein structure and function are either unavailable or do not agree on the potential impact of this missense change (SIFT: "Deleterious"; PolyPhen-2: "Benign"; Align-GVGD: "Class C0"). In summary, the available evidence is currently insufficient to determine the role of this variant in disease. Therefore, it has been classified as a Variant of Uncertain Significance.